The following is an entry in ClinVar:

ClinVar aggregate classification (germline): Uncertain significance (1 of 4 stars; one submission).

Submission:

Women's Health and Genetics/Laboratory Corporation of America, LabCorp
Classification: Uncertain significance. Last evaluated: 2024-01-31. Review status: criteria provided, single submitter. Criteria: LabCorp Variant Classification Summary - May 2015. Collection method: clinical testing. Allele origin: germline.
Comment: Variant summary: THOC2 c.587T>A (p.Ile196Asn) results in a non-conservative amino acid change located in the THO complex subunit 2, N-terminal domain (IPR032302) of the encoded protein sequence. Four of five in-silico tools predict a damaging effect of the variant on protein function. The variant was absent in 977,176 control chromosomes (gnomAD v4). The available data on variant occurrences in the general population are insufficient to allow any conclusion about variant significance. To our knowledge, no occurrence of c.587T>A in individuals affected with Intellectual Disability and no experimental evidence demonstrating its impact on protein function have been reported. ClinVar contains an entry for this variant (Variation ID: 1878425). Based on the evidence outlined above, the variant was classified as uncertain significance.

NM_001081550.2(THOC2):c.587T>A (p.Ile196Asn)

Gene: THOC2 (THO complex subunit 2; minus strand). Cytogenetic location: Xq25.
Variant type: single nucleotide variant.
Coding change: c.587T>A on transcript NM_001081550.2 (MANE Select); coding-DNA position 587, T replaced by A.
Protein change: p.Ile196Asn; replaces isoleucine 196 with asparagine.
Molecular consequence: missense variant.
Genome position (GRCh38, 1-based): chrX:123,696,035, A>T on the plus strand (T>A on the coding strand, the complement: THOC2 is on the minus strand). VCF-style: chrX-123696035-A-T. GRCh37 (hg19) VCF-style: chrX-122829885-A-T.
Other names: short protein forms I196N.
Identifiers: ClinVar variation 1878425 (VCV001878425.2), dbSNP rs2522040847, ClinGen allele CA414275864.